The following is an entry in ClinVar:

ClinVar aggregate classification (germline): Pathogenic (1 of 4 stars; one submission).

Submission:

GeneDx
Classification: Pathogenic. Last evaluated: 2015-02-11. Review status: criteria provided, single submitter. Criteria: GeneDx Variant Classification (06012015). Collection method: clinical testing. Allele origin: germline. Affected: yes.
Comment: This deletion of seven nucleotides in ATM is denoted c.2167_2173delGTGGGTG at the cDNA level and p.Val723SerfsX10 (V723SfsX10) at the protein level. The normal sequence, with the bases that are deleted in brackets, is TTTG[GTGGGTG]TCCT. The deletion causes a frameshift, which changes a Valine to a Serine at codon 723, and creates a premature stop codon at position 10 of the new reading frame. Although this variant has not, to our knowledge, been reported in the literature, it is predicted to cause loss of normal protein function through either protein truncation or nonsense-mediated mRNA decay. we consider this variant to be pathogenic. The presence of

NM_000051.4(ATM):c.2167_2173del (p.Val723fs)

Gene: ATM (ATM serine/threonine kinase; plus strand). Cytogenetic location: 11q22.3.
Variant type: Deletion.
Coding change: c.2167_2173del on transcript NM_000051.4 (MANE Select); coding-DNA positions 2167 to 2173, 7 bases deleted (GTGGGTG; older notation c.2167_2173delGTGGGTG).
Protein change: p.Val723fs; shifts the reading frame from valine 723.
Molecular consequence: frameshift variant.
Genome position (GRCh38, 1-based): chr11:108,256,257-108,256,263, GTGGGTG deleted; deleting any 7 consecutive bases within chr11:108,256,255-108,256,263 gives the same sequence; the c. name uses the placement nearest the transcript's 3' end. VCF-style (leftmost placement, unchanged base first): chr11-108256254-TTGGTGGG-T. GRCh37 (hg19) VCF-style: chr11-108126981-TTGGTGGG-T.
Other names: c.2167_2173del, p.Val723fs (NM_001351834.2); c.2167_2173delGTGGGTG (NM_000051.3); short protein forms V723fs.
Identifiers: ClinVar variation 418026 (VCV000418026.2), dbSNP rs1064793033, ClinGen allele CA16619134.
Genomic context (GRCh38, chr11:108,256,254, plus strand): 5'-TTATTTGTGGTTTACTTTAAGATTACAAATTCAGAAACTCTTGTCCGGTGTTCACGTCTT[TTGGTGGG>T]TGTCCTTGGCTGCTACTGTTACATGGGTGTAATAGCTGAAGAGGAAGCATATAAGTCAGA-3'